The following is an entry in ClinVar:

NM_004260.4(RECQL4):c.752G>C (p.Ser251Thr)

Gene: RECQL4 (RecQ like helicase 4; minus strand). Cytogenetic location: 8q24.3.
Variant type: single nucleotide variant.
Coding change: c.752G>C on transcript NM_004260.4 (MANE Select); coding-DNA position 752, G replaced by C.
Protein change: p.Ser251Thr; replaces serine 251 with threonine.
Molecular consequence: missense variant.
Genome position (GRCh38, 1-based): chr8:144,516,367, C>G on the plus strand (G>C on the coding strand, the complement: RECQL4 is on the minus strand). VCF-style: chr8-144516367-C-G. GRCh37 (hg19) VCF-style: chr8-145741751-C-G.
Other names: short protein forms S251T.
Identifiers: ClinVar variation 1057527 (VCV001057527.3), dbSNP rs1269997113, ClinGen allele CA372689391.

ClinVar aggregate classification (germline): Uncertain significance (1 of 4 stars; one submission).

Conditions:
Baller-Gerold syndrome (BGS). Also called: CRANIOSYNOSTOSIS WITH RADIAL DEFECTS. Identifiers: Orphanet 1225, MedGen C0265308, MONDO:0009039, OMIM 218600.

Allele frequency attached by ClinVar (database versions not stated): gnomAD exomes below 0.00001.
gnomAD v4.1: 2 of 1,610,064 alleles (0.00012%); highest among the groups gnomAD compares: South Asian, 0.0022%; no homozygotes.

Submission:

Labcorp Genetics (formerly Invitae), Labcorp
Classification: Uncertain significance for Baller-Gerold syndrome. Last evaluated: 2020-08-14. Review status: criteria provided, single submitter. Criteria: Invitae Variant Classification Sherloc (09022015). Collection method: clinical testing. Allele origin: germline.
Comment: In summary, the available evidence is currently insufficient to determine the role of this variant in disease. Therefore, it has been classified as a Variant of Uncertain Significance. Experimental studies and prediction algorithms are not available or were not evaluated, and the functional significance of this variant is currently unknown. This variant has not been reported in the literature in individuals with RECQL4-related conditions. This variant is not present in population databases (ExAC no frequency). This sequence change replaces serine with threonine at codon 251 of the RECQL4 protein (p.Ser251Thr). The serine residue is moderately conserved and there is a small physicochemical difference between serine and threonine.